The following is an entry in ClinVar:

ClinVar aggregate classification (germline): Uncertain significance (1 of 4 stars; one submission).

Conditions:
Ataxia-telangiectasia syndrome (AT). Also called: Ataxia-telangiectasia; LOUIS-BAR SYNDROME; Ataxia-telangiectasia, complementation group D; AT, COMPLEMENTATION GROUP C; ATAXIA-TELANGIECTASIA, COMPLEMENTATION GROUP A; ATAXIA-TELANGIECTASIA, FRESNO VARIANT. Identifiers: Orphanet 100, MedGen C0004135, MONDO:0008840, OMIM 208900.

Allele frequency attached by ClinVar (database versions not stated): gnomAD exomes below 0.00001.
gnomAD v4.1: 1 of 1,611,532 alleles (0.000062%); highest among the groups gnomAD compares: Non-Finnish European, 0.000085%; no homozygotes.

Submission:

Labcorp Genetics (formerly Invitae), Labcorp
Classification: Uncertain significance for Ataxia-telangiectasia syndrome. Last evaluated: 2022-08-09. Review status: criteria provided, single submitter. Criteria: Invitae Variant Classification Sherloc (09022015). Collection method: clinical testing. Allele origin: germline.
Comment: This variant has not been reported in the literature in individuals affected with ATM-related conditions. In summary, the available evidence is currently insufficient to determine the role of this variant in disease. Therefore, it has been classified as a Variant of Uncertain Significance. Advanced modeling of protein sequence and biophysical properties (such as structural, functional, and spatial information, amino acid conservation, physicochemical variation, residue mobility, and thermodynamic stability) performed at Invitae indicates that this missense variant is not expected to disrupt ATM protein function. ClinVar contains an entry for this variant (Variation ID: 1387003). This variant is not present in population databases (gnomAD no frequency). This sequence change replaces glutamine, which is neutral and polar, with histidine, which is basic and polar, at codon 2069 of the ATM protein (p.Gln2069His).

NM_000051.4(ATM):c.6207G>C (p.Gln2069His)

Genes: ATM (ATM serine/threonine kinase; plus strand), C11orf65 (chromosome 11 open reading frame 65; minus strand). Cytogenetic location: 11q22.3.
Variant type: single nucleotide variant.
Coding change: c.6207G>C on transcript NM_000051.4 (MANE Select); coding-DNA position 6207, G replaced by C.
Protein change: p.Gln2069His; replaces glutamine 2069 with histidine.
Molecular consequence: missense variant. On other transcripts: intron variant (2).
Genome position (GRCh38, 1-based): chr11:108,317,381, G>C. VCF-style: chr11-108317381-G-C. GRCh37 (hg19) VCF-style: chr11-108188108-G-C.
Other names: c.6207G>C, p.Gln2069His (NM_001351834.2); c.641-8310C>G (NM_001330368.2); c.*39-8310C>G (NM_001351110.2); short protein forms Q2069H.
Identifiers: ClinVar variation 1387003 (VCV001387003.8), dbSNP rs2136162810, ClinGen allele CA382551050.